The following is an entry in ClinVar:

NM_000214.3(JAG1):c.1806C>T (p.His602=)

Gene: JAG1 (jagged canonical Notch ligand 1; minus strand). Cytogenetic location: 20p12.2.
Variant type: single nucleotide variant.
Coding change: c.1806C>T on transcript NM_000214.3 (MANE Select); coding-DNA position 1806, C replaced by T.
Protein change: p.His602=; no amino-acid change (histidine 602 retained).
Molecular consequence: synonymous variant.
Genome position (GRCh38, 1-based): chr20:10,647,018, G>A on the plus strand (C>T on the coding strand, the complement: JAG1 is on the minus strand). VCF-style: chr20-10647018-G-A. GRCh37 (hg19) VCF-style: chr20-10627666-G-A.
Other names: c.1806C>T, p.His602= (LRG_1191t1).
Identifiers: ClinVar variation 598668 (VCV000598668.22), dbSNP rs764290237, ClinGen allele CA9764746.
Genomic context (GRCh38, chr20:10,647,018, plus strand): 5'-CGTGAAGCCTTTGTTACAGTCACAGGTGAATTTGCCTCCCGACTGACTCTTGCACTTCCC[G>A]TGAGGACCACAGACGTTGGAGGAAATATACCGCACCCCTTCAGGTGTGTCGTTGGAAGCC-3'
Protein context (NP_000205.1, residues 592-612): RYISSNVCGP[His602=]GKCKSQSGGK

ClinVar aggregate classification (germline): Benign/Likely benign. Review status: criteria provided, multiple submitters, no conflicts (2 of 4 stars). 6 submissions from 6 submitters: Benign (2); Likely benign (3). 1 of the submissions does not count toward it. Last evaluated 2025-11-20.

Conditions:
JAG1-related disorder. Also called: JAG1-related disorders; JAG1-related condition.
Cardiovascular phenotype. Identifiers: MedGen CN230736.
Alagille syndrome due to a JAG1 point mutation. Also called: Alagille Syndrome 1; HEPATIC DUCTULAR HYPOPLASIA, SYNDROMATIC; JAG1-Related Alagille Syndrome. Identifiers: Orphanet 261619, Orphanet 52, MedGen C1956125, MONDO:0016862, OMIM 118450.
Isolated Nonsyndromic Congenital Heart Disease.

Allele frequency attached by ClinVar (database versions not stated): ExAC 0.00007; gnomAD 0.00013 and 0.00015; TOPMed 0.00014; gnomAD exomes 0.00015.
gnomAD v4.1: 199 of 1,614,044 alleles (0.012%); highest among the groups gnomAD compares: Middle Eastern, 0.016%; 2 homozygotes.

Submissions (6):

Labcorp Genetics (formerly Invitae), Labcorp
Classification: Benign for Alagille syndrome due to a JAG1 point mutation. Last evaluated: 2025-11-20. Review status: criteria provided, single submitter. Criteria: Invitae Variant Classification Sherloc (09022015). Collection method: clinical testing. Allele origin: germline.

Ambry Genetics
Classification: Likely benign for Cardiovascular phenotype. Last evaluated: 2023-01-19. Review status: criteria provided, single submitter. Criteria: Ambry Variant Classification Scheme 2023. Collection method: clinical testing. Allele origin: germline.

Blueprint Genetics
Classification: Likely benign. Last evaluated: 2022-02-16. Review status: criteria provided, single submitter. Criteria: ACMG Guidelines, 2015. Collection method: clinical testing. Allele origin: germline.

Eurofins Ntd Llc (ga)
Classification: Likely benign. Last evaluated: 2018-09-07. Review status: criteria provided, single submitter. Criteria: EGL ClinVar v180209 classification definitions. Collection method: clinical testing. Allele origin: germline. Observed: 1 variant allele, 1 heterozygote.

Illumina Laboratory Services, Illumina
Classification: Benign for Isolated Nonsyndromic Congenital Heart Disease. Last evaluated: 2018-03-12. Review status: criteria provided, single submitter. Criteria: ICSL Variant Classification Criteria 13 December 2019. Collection method: clinical testing. Allele origin: germline.
Comment: This variant was observed in the ICSL laboratory as part of a predisposition screen in an ostensibly healthy population. It had not been previously curated by ICSL or reported in the Human Gene Mutation Database (HGMD: prior to June 1st, 2018), and was therefore a candidate for classification through an automated scoring system. Utilizing variant allele frequency, disease prevalence and penetrance estimates, and inheritance mode, an automated score was calculated to assess if this variant is too frequent to cause the disease. Based on the score and internal cut-off values, a variant classified as benign is not then subjected to further curation. The score for this variant resulted in a classification of benign for this disease.

PreventionGenetics, part of Exact Sciences
Classification: Likely benign for JAG1-related condition. Last evaluated: 2022-04-14. Review status: no assertion criteria provided. Collection method: clinical testing. Allele origin: germline. Not counted in ClinVar's aggregate classification.
Comment: This variant is classified as likely benign based on ACMG/AMP sequence variant interpretation guidelines (Richards et al. 2015 PMID: 25741868, with internal and published modifications).